The following is an entry in ClinVar:

NM_001039141.3(TRIOBP):c.1758_1759del (p.Arg586fs)

Gene: TRIOBP (TRIO and F-actin binding protein; plus strand). Cytogenetic location: 22q13.1.
Variant type: Microsatellite.
Coding change: c.1758_1759del on transcript NM_001039141.3 (MANE Select); coding-DNA positions 1758 to 1759, 2 bases deleted (AG; older notation c.1758_1759delAG).
Protein change: p.Arg586fs; shifts the reading frame from arginine 586.
Molecular consequence: frameshift variant.
Genome position (GRCh38, 1-based): chr22:37,724,314-37,724,315, AG deleted; deleting any 2 consecutive bases within chr22:37,724,312-37,724,315 gives the same sequence; the c. name uses the placement nearest the transcript's 3' end. VCF-style (leftmost placement, unchanged base first): chr22-37724311-CAG-C. GRCh37 (hg19) VCF-style: chr22-38120318-CAG-C.
Other names: short protein forms R586fs.
Identifiers: ClinVar variation 4726430 (VCV004726430.1).
Genomic context (GRCh38, chr22:37,724,311, plus strand): 5'-CTCTCCCAATAGAGCCACACGAGACAACCCCAGAACATCCTGTGCCCAGCGGGACAATCC[CAG>C]AGCCTCCTCTCCCAATAGAGCTACACGAGACAACCCCACAACATCCTGTGCCCAGCGGGA-3'

ClinVar aggregate classification (germline): Pathogenic (1 of 4 stars; one submission).

Submission:

Labcorp Genetics (formerly Invitae), Labcorp
Classification: Pathogenic. Last evaluated: 2025-08-31. Review status: criteria provided, single submitter. Criteria: Invitae Variant Classification Sherloc (09022015). Collection method: clinical testing. Allele origin: germline.
Comment: This sequence change creates a premature translational stop signal (p.Arg586Serfs*6) in the TRIOBP gene. It is expected to result in an absent or disrupted protein product. Loss-of-function variants in TRIOBP are known to be pathogenic (PMID: 16385457, 16385458, 20510926). This variant is not present in population databases (gnomAD no frequency). This variant has not been reported in the literature in individuals affected with TRIOBP-related conditions. For these reasons, this variant has been classified as Pathogenic.

Literature cited by the submitters: PubMed 16385457; PubMed 16385458; PubMed 20510926.